The following is an entry in ClinVar:

ClinVar aggregate classification (germline): Likely benign. Review status: criteria provided, single submitter (1 of 4 stars). 3 submissions from 3 submitters: Likely benign (1). 2 of the submissions do not count toward it. Last evaluated 2026-01-25.

Conditions:
Autosomal recessive polycystic kidney disease (ARPKD). Also called: AR polycystic kidney disease. Identifiers: Orphanet 731, Orphanet 8378, MedGen C0085548, MeSH D017044, MONDO:0009889.
PKHD1-related disorder. Also called: PKHD1-related condition.

Allele frequency attached by ClinVar (database versions not stated): gnomAD 0.00001; gnomAD exomes 0.00001 and 0.00004; TOPMed 0.00002; ExAC 0.00006.
gnomAD v4.1: 14 of 1,614,038 alleles (0.00087%); highest among the groups gnomAD compares: East Asian, 0.027%; no homozygotes.

Submissions (3):

Labcorp Genetics (formerly Invitae), Labcorp
Classification: Likely benign for Autosomal recessive polycystic kidney disease. Last evaluated: 2026-01-25. Review status: criteria provided, single submitter. Criteria: Invitae Variant Classification Sherloc (09022015). Collection method: clinical testing. Allele origin: germline.

PreventionGenetics, part of Exact Sciences
Classification: Likely benign for PKHD1-related condition. Last evaluated: 2023-05-18. Review status: no assertion criteria provided. Collection method: clinical testing. Allele origin: germline. Not counted in ClinVar's aggregate classification.
Comment: This variant is classified as likely benign based on ACMG/AMP sequence variant interpretation guidelines (Richards et al. 2015 PMID: 25741868, with internal and published modifications).

Natera, Inc.
Classification: Uncertain significance for Autosomal recessive polycystic kidney disease. Last evaluated: 2019-07-15. Review status: no assertion criteria provided. Collection method: clinical testing. Allele origin: germline. Not counted in ClinVar's aggregate classification.

NM_138694.4(PKHD1):c.3462A>G (p.Thr1154=)

Gene: PKHD1 (PKHD1 ciliary IPT domain containing fibrocystin/polyductin; minus strand). Cytogenetic location: 6p12.2.
Variant type: single nucleotide variant.
Coding change: c.3462A>G on transcript NM_138694.4 (MANE Select); coding-DNA position 3462, A replaced by G.
Protein change: p.Thr1154=; no amino-acid change (threonine 1154 retained).
Molecular consequence: synonymous variant.
Genome position (GRCh38, 1-based): chr6:52,028,254, T>C on the plus strand (A>G on the coding strand, the complement: PKHD1 is on the minus strand). VCF-style: chr6-52028254-T-C. GRCh37 (hg19) VCF-style: chr6-51893052-T-C.
Other names: c.3462A>G, p.Thr1154= (NM_170724.3).
Identifiers: ClinVar variation 699983 (VCV000699983.14), dbSNP rs758231968, ClinGen allele CA3852933.